The following is an entry in ClinVar:

NM_007294.4(BRCA1):c.3413G>A (p.Gly1138Glu)

Genes: BRCA1 (BRCA1 DNA repair associated; minus strand), LOC126862571 (BRD4-independent group 4 enhancer GRCh37_chr17:41243136-41244335; plus strand). Cytogenetic location: 17q21.31.
Variant type: single nucleotide variant.
Coding change: c.3413G>A on transcript NM_007294.4 (MANE Select); coding-DNA position 3413, G replaced by A.
Protein change: p.Gly1138Glu; replaces glycine 1138 with glutamic acid.
Molecular consequence: missense variant. On other transcripts: intron variant (135).
Genome position (GRCh38, 1-based): chr17:43,092,118, C>T on the plus strand (G>A on the coding strand, the complement: BRCA1 is on the minus strand). VCF-style: chr17-43092118-C-T. GRCh37 (hg19) VCF-style: chr17-41244135-C-T.
Other names: c.779-1086G>A (NM_001408408.1); c.662-1086G>A (NM_001408446.1, NM_001408435.1, NM_001408448.1 and 6 more transcripts); c.785-1086G>A (NM_001408401.1, NM_001407985.1, NM_001408396.1 and 13 more transcripts); c.548-1086G>A (NM_001408494.1); c.665-1086G>A (NM_001408444.1, NM_001408438.1, NM_001408430.1 and 12 more transcripts); c.671-1086G>A (NM_001408423.1, NM_001408420.1, NM_001408419.1 and 2 more transcripts); c.3200G>A, p.Gly1067Glu (NM_001407571.1, NM_001407853.1, NM_001407894.1 and 9 more transcripts); c.3413G>A, p.Gly1138Glu (NM_001407581.1, NM_001407582.1, NM_001407583.1 and 30 more transcripts); and 41 more; short protein forms G1010E, G1011E, G1026E, G1027E, G1049E, G1050E, G1067E, G1068E.
Identifiers: ClinVar variation 1719021 (VCV001719021.9), dbSNP rs879251628, ClinGen allele CA10595155.

ClinVar aggregate classification (germline): Conflicting classifications of pathogenicity. Review status: criteria provided, conflicting classifications (1 of 4 stars). 3 submissions from 3 submitters: Uncertain significance (2); Likely benign (1). Last evaluated 2025-03-25.

Conditions:
Hereditary cancer-predisposing syndrome. Also called: Hereditary neoplastic syndrome; Neoplastic Syndromes, Hereditary; Hereditary Cancer Syndrome; Tumor predisposition. Identifiers: Orphanet 140162, MedGen C0027672, MeSH D009386, MONDO:0015356.
Hereditary breast ovarian cancer syndrome. Also called: BRCA1- and BRCA2-Associated Hereditary Breast and Ovarian Cancer; Hereditary breast and ovarian cancer syndrome (HBOC); Hereditary breast and/or ovarian cancer syndrome; Hereditary breast and ovarian cancer syndrome; Hereditary breast and ovarian cancer; Breast and ovarian cancer. Identifiers: Orphanet 145, MedGen C0677776, MeSH D061325, MONDO:0003582. Disease mechanism: loss of function.

Submissions (3):

GeneDx
Classification: Uncertain significance. Last evaluated: 2025-03-25. Review status: criteria provided, single submitter. Criteria: GeneDx Variant Classification Process June 2021. Collection method: clinical testing. Allele origin: germline. Affected: yes.
Comment: Not observed at significant frequency in large population cohorts (gnomAD); In silico analysis supports that this missense variant has a deleterious effect on protein structure/function; Has not been previously published as pathogenic or benign to our knowledge; Also known as 3532G>A

Labcorp Genetics (formerly Invitae), Labcorp
Classification: Uncertain significance for Hereditary breast ovarian cancer syndrome. Last evaluated: 2024-04-09. Review status: criteria provided, single submitter. Criteria: Invitae Variant Classification Sherloc (09022015). Collection method: clinical testing. Allele origin: germline.
Comment: This sequence change replaces glycine, which is neutral and non-polar, with glutamic acid, which is acidic and polar, at codon 1138 of the BRCA1 protein (p.Gly1138Glu). This variant is not present in population databases (gnomAD no frequency). This variant has not been reported in the literature in individuals affected with BRCA1-related conditions. ClinVar contains an entry for this variant (Variation ID: 1719021). Advanced modeling of protein sequence and biophysical properties (such as structural, functional, and spatial information, amino acid conservation, physicochemical variation, residue mobility, and thermodynamic stability) performed at Invitae indicates that this missense variant is not expected to disrupt BRCA1 protein function with a negative predictive value of 95%. In summary, the available evidence is currently insufficient to determine the role of this variant in disease. Therefore, it has been classified as a Variant of Uncertain Significance.

University of Washington Department of Laboratory Medicine, University of Washington
Classification: Likely benign for Hereditary cancer-predisposing syndrome. Last evaluated: 2023-03-23. Review status: criteria provided, single submitter. Criteria: Dines et al. (Genet Med. 2020). Collection method: curation. Allele origin: germline.
Comment: Missense variant in a coldspot region where missense variants are very unlikely to be pathogenic (PMID:31911673).

BRCA1 coldspot (exon 11 using historical exon numbering). Reclassification based on statistical prior probability